The following is an entry in ClinVar:

ClinVar aggregate classification (germline): Likely benign. Review status: criteria provided, single submitter (1 of 4 stars). 2 submissions from 2 submitters: Likely benign (1). 1 of the submissions does not count toward it. Last evaluated 2024-03-05.

Conditions:
NOTCH2-related disorder. Also called: NOTCH2-related condition.
Hajdu-Cheney syndrome (HJCYS). Also called: ACROOSTEOLYSIS WITH OSTEOPOROSIS AND CHANGES IN SKULL AND MANDIBLE; SERPENTINE FIBULA-POLYCYSTIC KIDNEY SYNDROME; Acroosteolysis dominant type. Identifiers: Orphanet 955, MedGen C0917715, MONDO:0007057, OMIM 102500.

Allele frequency attached by ClinVar (database versions not stated): gnomAD 0.00001; TOPMed 0.00001; gnomAD exomes 0.00003.
gnomAD v4.1: 48 of 1,614,070 alleles (0.003%); highest among the groups gnomAD compares: East Asian, 0.0067%; no homozygotes.

Submissions (2):

Labcorp Genetics (formerly Invitae), Labcorp
Classification: Likely benign for Hajdu-Cheney syndrome. Last evaluated: 2024-03-05. Review status: criteria provided, single submitter. Criteria: Invitae Variant Classification Sherloc (09022015). Collection method: clinical testing. Allele origin: germline.

PreventionGenetics, part of Exact Sciences
Classification: Likely benign for NOTCH2-related condition. Last evaluated: 2024-04-04. Review status: no assertion criteria provided. Collection method: clinical testing. Allele origin: germline. Not counted in ClinVar's aggregate classification.
Comment: This variant is classified as likely benign based on ACMG/AMP sequence variant interpretation guidelines (Richards et al. 2015 PMID: 25741868, with internal and published modifications).

NM_024408.4(NOTCH2):c.5814T>C (p.Asp1938=)

Gene: NOTCH2 (notch receptor 2; minus strand). Cytogenetic location: 1p12.
Variant type: single nucleotide variant.
Coding change: c.5814T>C on transcript NM_024408.4 (MANE Select); coding-DNA position 5814, T replaced by C.
Protein change: p.Asp1938=; no amino-acid change (aspartic acid 1938 retained).
Molecular consequence: synonymous variant.
Genome position (GRCh38, 1-based): chr1:119,918,521, A>G on the plus strand (T>C on the coding strand, the complement: NOTCH2 is on the minus strand). VCF-style: chr1-119918521-A-G. GRCh37 (hg19) VCF-style: chr1-120461144-A-G.
Other names: c.5814T>C (NM_024408.3).
Identifiers: ClinVar variation 2915134 (VCV002915134.4), dbSNP rs1301475019, ClinGen allele CA420037094.